The following is an entry in ClinVar:

ClinVar aggregate classification (germline): Uncertain significance (1 of 4 stars; one submission).

Submission:

Labcorp Genetics (formerly Invitae), Labcorp
Classification: Uncertain significance. Last evaluated: 2024-05-13. Review status: criteria provided, single submitter. Criteria: Invitae Variant Classification Sherloc (09022015). Collection method: clinical testing. Allele origin: germline.
Comment: This sequence change replaces leucine, which is neutral and non-polar, with histidine, which is basic and polar, at codon 1706 of the SZT2 protein (p.Leu1706His). This variant is not present in population databases (gnomAD no frequency). This variant has not been reported in the literature in individuals affected with SZT2-related conditions. ClinVar contains an entry for this variant (Variation ID: 1377455). Advanced modeling of protein sequence and biophysical properties (such as structural, functional, and spatial information, amino acid conservation, physicochemical variation, residue mobility, and thermodynamic stability) performed at Invitae indicates that this missense variant is not expected to disrupt SZT2 protein function with a negative predictive value of 80%. In summary, the available evidence is currently insufficient to determine the role of this variant in disease. Therefore, it has been classified as a Variant of Uncertain Significance.

NM_001365999.1(SZT2):c.5288T>A (p.Leu1763His)

Gene: SZT2 (SZT2 subunit of KICSTOR complex; plus strand). Cytogenetic location: 1p34.2.
Variant type: single nucleotide variant.
Coding change: c.5288T>A on transcript NM_001365999.1 (MANE Select); coding-DNA position 5288, T replaced by A.
Protein change: p.Leu1763His; replaces leucine 1763 with histidine.
Molecular consequence: missense variant.
Genome position (GRCh38, 1-based): chr1:43,432,285, T>A. VCF-style: chr1-43432285-T-A. GRCh37 (hg19) VCF-style: chr1-43897956-T-A.
Other names: c.5117T>A, p.Leu1706His (NM_015284.4); short protein forms L1763H, L1706H.
Identifiers: ClinVar variation 1377455 (VCV001377455.6), dbSNP rs1193897452, ClinGen allele CA340024694.